The following is an entry in ClinVar:

NM_152743.4(BRAT1):c.1620A>G (p.Ala540=)

Gene: BRAT1 (BRCA1 associated ATM activator 1; minus strand). Cytogenetic location: 7p22.3.
Variant type: single nucleotide variant.
Coding change: c.1620A>G on transcript NM_152743.4 (MANE Select); coding-DNA position 1620, A replaced by G.
Protein change: p.Ala540=; no amino-acid change (alanine 540 retained).
Molecular consequence: synonymous variant. On other transcripts: non-coding transcript variant (1).
Genome position (GRCh38, 1-based): chr7:2,539,329, T>C on the plus strand (A>G on the coding strand, the complement: BRAT1 is on the minus strand). VCF-style: chr7-2539329-T-C. GRCh37 (hg19) VCF-style: chr7-2578963-T-C.
Other names: c.1620A>G, p.Ala540= (NM_001350626.2); c.1095A>G, p.Ala365= (NM_001350627.2).
Identifiers: ClinVar variation 729531 (VCV000729531.34), dbSNP rs762496445, ClinGen allele CA4127649.
Genomic context (GRCh38, chr7:2,539,329, plus strand): 5'-ATAACTCTCAGGGTCCTGGAGGAGCTGCAGGGCCAGCTGAGGCACCTCTGAAGCCAAGAG[T>C]GCGCATCTGAAGTCAGCCTGTCCTGGGGGTCGAAACGGCCACATGCAGCTGTGACTGAGG-3'
Protein context (NP_689956.2, residues 530-550): HWGGQADFRC[Ala540=]LLASEVPQLA

ClinVar aggregate classification (germline): Likely benign. Review status: criteria provided, multiple submitters, no conflicts (2 of 4 stars). 2 submissions from 2 submitters: Likely benign (2). Last evaluated 2025-12-16.

Conditions:
Neonatal-onset encephalopathy with rigidity and seizures. Also called: Lethal neonatal spasticity-epileptic encephalopathy syndrome. Identifiers: Orphanet 435845, MedGen C3281029, MONDO:0013784, OMIM 614498.

Allele frequency attached by ClinVar (database versions not stated): gnomAD exomes 0.00002 and 0.00003; gnomAD 0.00003; TOPMed 0.00003; ExAC 0.00004.
gnomAD v4.1: 38 of 1,609,772 alleles (0.0024%); highest among the groups gnomAD compares: Non-Finnish European, 0.0032%; no homozygotes.

Submissions (2):

Labcorp Genetics (formerly Invitae), Labcorp
Classification: Likely benign for Neonatal-onset encephalopathy with rigidity and seizures. Last evaluated: 2025-12-16. Review status: criteria provided, single submitter. Criteria: Invitae Variant Classification Sherloc (09022015). Collection method: clinical testing. Allele origin: germline.

CeGaT Center for Human Genetics Tuebingen
Classification: Likely benign. Last evaluated: 2022-09-01. Review status: criteria provided, single submitter. Criteria: CeGaT Center For Human Genetics Tuebingen Variant Classification Criteria Version 2. Collection method: clinical testing. Allele origin: germline. Affected: yes. Observed: 2 variant alleles.
Comment: BRAT1: BP4, BP7